The following is an entry in ClinVar:

NM_001197104.2(KMT2A):c.7741A>G (p.Thr2581Ala)

Gene: KMT2A (lysine methyltransferase 2A; plus strand). Cytogenetic location: 11q23.3.
Variant type: single nucleotide variant.
Coding change: c.7741A>G on transcript NM_001197104.2 (MANE Select); coding-DNA position 7741, A replaced by G.
Protein change: p.Thr2581Ala; replaces threonine 2581 with alanine.
Molecular consequence: missense variant.
Genome position (GRCh38, 1-based): chr11:118,503,633, A>G. VCF-style: chr11-118503633-A-G. GRCh37 (hg19) VCF-style: chr11-118374348-A-G.
Other names: c.7831A>G, p.Thr2611Ala (NM_001412597.1); c.7732A>G, p.Thr2578Ala (NM_005933.4); short protein forms T2578A, T2581A, T2611A.
Identifiers: ClinVar variation 2176224 (VCV002176224.4), dbSNP rs782732794, ClinGen allele CA229527066.

ClinVar aggregate classification (germline): Uncertain significance (1 of 4 stars; one submission).

Allele frequency attached by ClinVar (database versions not stated): TOPMed below 0.00001; gnomAD exomes 0.00002.
gnomAD v4.1: 32 of 1,614,152 alleles (0.002%); highest among the groups gnomAD compares: Non-Finnish European, 0.0027%; no homozygotes.

Submission:

Labcorp Genetics (formerly Invitae), Labcorp
Classification: Uncertain significance. Last evaluated: 2025-02-24. Review status: criteria provided, single submitter. Criteria: Invitae Variant Classification Sherloc (09022015). Collection method: clinical testing. Allele origin: germline.
Comment: This sequence change replaces threonine, which is neutral and polar, with alanine, which is neutral and non-polar, at codon 2581 of the KMT2A protein (p.Thr2581Ala). This variant is not present in population databases (gnomAD no frequency). This variant has not been reported in the literature in individuals affected with KMT2A-related conditions. ClinVar contains an entry for this variant (Variation ID: 2176224). Invitae Evidence Modeling of protein sequence and biophysical properties (such as structural, functional, and spatial information, amino acid conservation, physicochemical variation, residue mobility, and thermodynamic stability) indicates that this missense variant is not expected to disrupt KMT2A protein function with a negative predictive value of 95%. In summary, the available evidence is currently insufficient to determine the role of this variant in disease. Therefore, it has been classified as a Variant of Uncertain Significance.